The following is an entry in ClinVar:

NM_014915.3(ANKRD26):c.1183G>A (p.Glu395Lys)

Gene: ANKRD26 (ankyrin repeat domain containing 26; minus strand). Cytogenetic location: 10p12.1.
Variant type: single nucleotide variant.
Coding change: c.1183G>A on transcript NM_014915.3 (MANE Select); coding-DNA position 1183, G replaced by A.
Protein change: p.Glu395Lys; replaces glutamic acid 395 with lysine.
Molecular consequence: missense variant.
Genome position (GRCh38, 1-based): chr10:27,067,181, C>T on the plus strand (G>A on the coding strand, the complement: ANKRD26 is on the minus strand). VCF-style: chr10-27067181-C-T. GRCh37 (hg19) VCF-style: chr10-27356110-C-T.
Other names: c.1183G>A, p.Glu395Lys (NM_001256053.2); short protein forms E395K.
Identifiers: ClinVar variation 4102785 (VCV004102785.1).

ClinVar aggregate classification (germline): Uncertain significance (1 of 4 stars; one submission).

Conditions:
Inborn genetic diseases. Identifiers: MedGen C0950123, MeSH D030342.

Submission:

Ambry Genetics
Classification: Uncertain significance for Inborn genetic diseases. Last evaluated: 2025-06-20. Review status: criteria provided, single submitter. Criteria: Ambry Variant Classification Scheme 2023. Collection method: clinical testing. Allele origin: germline.
Comment: The p.E395K variant (also known as c.1183G>A), located in coding exon 10 of the ANKRD26 gene, results from a G to A substitution at nucleotide position 1183. The glutamic acid at codon 395 is replaced by lysine, an amino acid with similar properties. This amino acid position is conserved. In addition, this alteration is predicted to be tolerated by in silico analysis. Based on the available evidence, the clinical significance of this variant remains unclear.